The following is an entry in ClinVar:

ClinVar aggregate classification (germline): Conflicting classifications of pathogenicity. Review status: criteria provided, conflicting classifications (1 of 4 stars). 5 submissions from 5 submitters: Likely pathogenic (2); Uncertain significance (2). 1 of the submissions does not count toward it. Last evaluated 2025-02-27.

Conditions:
Neuronal ceroid lipofuscinosis 7 (CLN7). Also called: MFSD8-Related Neuronal Ceroid-Lipofuscinosis. Identifiers: Orphanet 168491, Orphanet 228366, MedGen C1838571, MONDO:0012588, OMIM 610951.
MFSD8-related disorders.
Late-infantile neuronal ceroid lipofuscinosis. Also called: Jansky-Bielschowsky disease. Identifiers: MedGen C0022340, MONDO:0015674.

Allele frequency attached by ClinVar (database versions not stated): ExAC 0.00002.
gnomAD v4.1: 6 of 1,614,070 alleles (0.00037%); highest among the groups gnomAD compares: Admixed American, 0.0017%; no homozygotes.

Submissions (5):

3billion
Classification: Uncertain significance for Neuronal ceroid lipofuscinosis 7. Last evaluated: 2025-02-27. Review status: criteria provided, single submitter. Criteria: ACMG Guidelines, 2015. Collection method: clinical testing. Allele origin: germline. Affected: yes.
Comment: The variant is observed at an extremely low frequency in the gnomAD v4.1.0 dataset (total allele frequency: <0.001%). Predicted Consequence/Location: Missense variant. The majority of the known disease-causing variants of this gene are variants expected to result in premature termination of the protein. In silico tool predictions suggest damaging effect of the variant on gene or gene product [REVEL: 0.60 (>=0.6, sensitivity 0.68 and specificity 0.92)]. The variant has been reported as of uncertain significance (ClinVar ID: VCV000581405; PMID: 31489614; 3billion dataset). Therefore, this variant is classified as VUS according to the recommendation of ACMG/AMP guideline.

Labcorp Genetics (formerly Invitae), Labcorp
Classification: Uncertain significance for Neuronal ceroid lipofuscinosis 7. Last evaluated: 2022-09-01. Review status: criteria provided, single submitter. Criteria: Invitae Variant Classification Sherloc (09022015). Collection method: clinical testing. Allele origin: germline.
Comment: This sequence change replaces proline, which is neutral and non-polar, with threonine, which is neutral and polar, at codon 356 of the MFSD8 protein (p.Pro356Thr). This variant is present in population databases (rs756204684, gnomAD 0.003%). This missense change has been observed in individual(s) with neuronal ceroid lipofuscinosis type 7 (PMID: 31489614). ClinVar contains an entry for this variant (Variation ID: 581405). Algorithms developed to predict the effect of missense changes on protein structure and function are either unavailable or do not agree on the potential impact of this missense change (SIFT: "Tolerated"; PolyPhen-2: "Probably Damaging"; Align-GVGD: "Class C0"). In summary, the available evidence is currently insufficient to determine the role of this variant in disease. Therefore, it has been classified as a Variant of Uncertain Significance.

Mendelics
Classification: Likely pathogenic for Neuronal ceroid lipofuscinosis 7. Last evaluated: 2020-11-08. Review status: criteria provided, single submitter. Criteria: Mendelics Assertion Criteria 2017. Collection method: clinical testing. Allele origin: unknown.
Comment: The substitution p.Pro356Thr is a highly conserved and rare variant (found in heterozygous state in 4 among 251290 alleles in GnomAD v2.0). It was seen in a homozygous state in 1 and in a compound heterozygous state in 2 patients with CLN7. We classify this variant as likely pathogenic

Blueprint Genetics
Classification: Likely pathogenic for MFSD8-related disorders. Last evaluated: 2019-01-19. Review status: criteria provided, single submitter. Criteria: ACMG Guidelines, 2015. Collection method: clinical testing. Allele origin: germline. Affected: yes. Observed: 1 variant allele.

Natera, Inc.
Classification: Uncertain significance for Late-infantile neuronal ceroid lipofuscinosis. Last evaluated: 2019-11-11. Review status: no assertion criteria provided. Collection method: clinical testing. Allele origin: germline. Not counted in ClinVar's aggregate classification.

Literature cited by the submitters: PubMed 31489614 (cited by Labcorp Genetics (formerly Invitae), Labcorp).

NM_001371596.2(MFSD8):c.1066C>A (p.Pro356Thr)

Gene: MFSD8 (major facilitator superfamily domain containing 8; minus strand). Cytogenetic location: 4q28.2.
Variant type: single nucleotide variant.
Coding change: c.1066C>A on transcript NM_001371596.2 (MANE Select); coding-DNA position 1066, C replaced by A.
Protein change: p.Pro356Thr; replaces proline 356 with threonine.
Molecular consequence: missense variant.
Genome position (GRCh38, 1-based): chr4:127,921,896, G>T on the plus strand (C>A on the coding strand, the complement: MFSD8 is on the minus strand). VCF-style: chr4-127921896-G-T. GRCh37 (hg19) VCF-style: chr4-128843051-G-T.
Other names: c.865C>A, p.Pro289Thr (NM_001363520.3); c.751C>A, p.Pro251Thr (NM_001363521.3); c.931C>A, p.Pro311Thr (NM_001371590.2); c.1066C>A, p.Pro356Thr (NM_001371591.2, NM_152778.4); c.1072C>A, p.Pro358Thr (NM_001371592.2); c.952C>A, p.Pro318Thr (NM_001371593.2); c.919C>A, p.Pro307Thr (NM_001371594.2); c.784C>A, p.Pro262Thr (NM_001371595.1); and 1 more; short protein forms P356T, P251T, P289T, P262T, P307T, P311T, P318T, P358T.
Identifiers: ClinVar variation 581405 (VCV000581405.11), dbSNP rs756204684, ClinGen allele CA3077304.
Genomic context (GRCh38, chr4:127,921,896, plus strand): 5'-TTATAGAATTATGTATGGCTATACCTTCCCACTGTATTTTGGGAAATTGATTTCCCCAAG[G>T]TAACAAGATAAAGAAGCCAACCCATACAACGATGAGTCCTCCCAGTAGAATAGCACGCTC-3'
Protein context (NP_001358525.1, residues 346-366): VVWVGFFILL[Pro356Thr]WGNQFPKIQW